The following is an entry in ClinVar:

NM_001130009.3(GEN1):c.515T>C (p.Met172Thr)

Gene: GEN1 (GEN1 structure-specific endonuclease; plus strand). Cytogenetic location: 2p24.2.
Variant type: single nucleotide variant.
Coding change: c.515T>C on transcript NM_001130009.3 (MANE Select); coding-DNA position 515, T replaced by C.
Protein change: p.Met172Thr; replaces methionine 172 with threonine.
Molecular consequence: missense variant.
Genome position (GRCh38, 1-based): chr2:17,765,063, T>C. VCF-style: chr2-17765063-T-C. GRCh37 (hg19) VCF-style: chr2-17946330-T-C.
Other names: c.515T>C, p.Met172Thr (NM_182625.5); c.515T>C (NM_001130009.1); short protein forms M172T.
Identifiers: ClinVar variation 834360 (VCV000834360.11), dbSNP rs1160372668, ClinGen allele CA345909977.
Genomic context (GRCh38, chr2:17,765,063, plus strand): 5'-TCACCAATGATGGAGATACTTTCCTTTATGGGGCCCAGACTGTTTACAGGAATTTCACTA[T>C]GAATACAAAGGTGTTTATTTTCTTTCTCTTTTTCAGCATTTGTTTACGAACTACCTTTTT-3'
Protein context (NP_001123481.3, residues 162-182): GAQTVYRNFT[Met172Thr]NTKDPHVDCY

ClinVar aggregate classification (germline): Uncertain significance. Review status: criteria provided, multiple submitters, no conflicts (2 of 4 stars). 2 submissions from 2 submitters: Uncertain significance (2). Last evaluated 2025-08-11.

Allele frequency attached by ClinVar (database versions not stated): gnomAD 0.00001.

Submissions (2):

Labcorp Genetics (formerly Invitae), Labcorp
Classification: Uncertain significance. Last evaluated: 2025-08-11. Review status: criteria provided, single submitter. Criteria: Invitae Variant Classification Sherloc (09022015). Collection method: clinical testing. Allele origin: germline.
Comment: This sequence change replaces methionine, which is neutral and non-polar, with threonine, which is neutral and polar, at codon 172 of the GEN1 protein (p.Met172Thr). This variant is present in population databases (no rsID available, gnomAD 0.003%). This variant has not been reported in the literature in individuals affected with GEN1-related conditions. ClinVar contains an entry for this variant (Variation ID: 834360). An algorithm developed to predict the effect of missense changes on protein structure and function (PolyPhen-2) suggests that this variant is likely to be disruptive. In summary, the available evidence is currently insufficient to determine the role of this variant in disease. Therefore, it has been classified as a Variant of Uncertain Significance.

Ambry Genetics
Classification: Uncertain significance. Last evaluated: 2025-04-24. Review status: criteria provided, single submitter. Criteria: Ambry Variant Classification Scheme 2023. Collection method: clinical testing. Allele origin: germline.